The following is an entry in ClinVar:

ClinVar aggregate classification (germline): Uncertain significance (1 of 4 stars; one submission).

Conditions:
Primary ciliary dyskinesia. Also called: Ciliary dyskinesia. Identifiers: Orphanet 244, MedGen C0008780, MONDO:0016575, HP:0012265.

Allele frequency attached by ClinVar (database versions not stated): gnomAD exomes below 0.00001.
gnomAD v4.1: 1 of 1,614,046 alleles (0.000062%); highest among the groups gnomAD compares: Non-Finnish European, 0.000085%; no homozygotes.

Submission:

Labcorp Genetics (formerly Invitae), Labcorp
Classification: Uncertain significance for Primary ciliary dyskinesia. Last evaluated: 2023-09-06. Review status: criteria provided, single submitter. Criteria: Invitae Variant Classification Sherloc (09022015). Collection method: clinical testing. Allele origin: germline.
Comment: This variant has not been reported in the literature in individuals affected with RSPH9-related conditions. This variant is not present in population databases (gnomAD no frequency). This sequence change replaces tyrosine, which is neutral and polar, with cysteine, which is neutral and slightly polar, at codon 41 of the RSPH9 protein (p.Tyr41Cys). An algorithm developed to predict the effect of missense changes on protein structure and function (PolyPhen-2) suggests that this variant is likely to be tolerated. In summary, the available evidence is currently insufficient to determine the role of this variant in disease. Therefore, it has been classified as a Variant of Uncertain Significance.

NM_152732.5(RSPH9):c.122A>G (p.Tyr41Cys)

Gene: RSPH9 (radial spoke head component 9; plus strand). Cytogenetic location: 6p21.1.
Variant type: single nucleotide variant.
Coding change: c.122A>G on transcript NM_152732.5 (MANE Select); coding-DNA position 122, A replaced by G.
Protein change: p.Tyr41Cys; replaces tyrosine 41 with cysteine.
Molecular consequence: missense variant. On other transcripts: non-coding transcript variant (2).
Genome position (GRCh38, 1-based): chr6:43,645,220, A>G. VCF-style: chr6-43645220-A-G. GRCh37 (hg19) VCF-style: chr6-43612957-A-G.
Other names: c.122A>G, p.Tyr41Cys (NM_001193341.2, NM_001424119.1, NM_001424120.1 and 1 more transcripts); short protein forms Y41C.
Identifiers: ClinVar variation 2729091 (VCV002729091.3), dbSNP rs2532698261, ClinGen allele CA364287248.